The following is an entry in ClinVar:

NM_001852.4(COL9A2):c.115G>A (p.Gly39Arg)

Genes: COL9A2 (collagen type IX alpha 2 chain; minus strand), LOC129930261 (ATAC-STARR-seq lymphoblastoid silent region 724; plus strand). Cytogenetic location: 1p34.2.
Variant type: single nucleotide variant.
Coding change: c.115G>A on transcript NM_001852.4 (MANE Select); coding-DNA position 115, G replaced by A.
Protein change: p.Gly39Arg; replaces glycine 39 with arginine.
Molecular consequence: missense variant.
Genome position (GRCh38, 1-based): chr1:40,315,625, C>T on the plus strand (G>A on the coding strand, the complement: COL9A2 is on the minus strand). VCF-style: chr1-40315625-C-T. GRCh37 (hg19) VCF-style: chr1-40781297-C-T.
Other names: short protein forms G39R.
Identifiers: ClinVar variation 3633545 (VCV003633545.2).

ClinVar aggregate classification (germline): Uncertain significance (1 of 4 stars; one submission).

gnomAD v4.1: 1 of 1,553,524 alleles (0.000064%); highest among the groups gnomAD compares: Non-Finnish European, 0.000087%; no homozygotes.

Submission:

Labcorp Genetics (formerly Invitae), Labcorp
Classification: Uncertain significance. Last evaluated: 2025-10-17. Review status: criteria provided, single submitter. Criteria: Invitae Variant Classification Sherloc (09022015). Collection method: clinical testing. Allele origin: germline.
Comment: This sequence change replaces glycine, which is neutral and non-polar, with arginine, which is basic and polar, at codon 39 of the COL9A2 protein (p.Gly39Arg). This variant is not present in population databases (gnomAD no frequency). This variant has not been reported in the literature in individuals affected with COL9A2-related conditions. ClinVar contains an entry for this variant (Variation ID: 3633545). Invitae Evidence Modeling of protein sequence and biophysical properties (such as structural, functional, and spatial information, amino acid conservation, physicochemical variation, residue mobility, and thermodynamic stability) indicates that this missense variant is expected to disrupt COL9A2 protein function with a positive predictive value of 95%. In summary, the available evidence is currently insufficient to determine the role of this variant in disease. Therefore, it has been classified as a Variant of Uncertain Significance.